The following is an entry in ClinVar:

ClinVar aggregate classification (germline): Uncertain significance. Review status: criteria provided, multiple submitters, no conflicts (2 of 4 stars). 3 submissions from 3 submitters: Uncertain significance (3). Last evaluated 2025-08-03.

Conditions:
Familial cancer of breast. Also called: Hereditary breast cancer; BREAST CANCER, FAMILIAL; hereditary breast carcinoma. Identifiers: Orphanet 227535, MedGen C0346153, MONDO:0016419, OMIM 114480. Disease mechanism: loss of function.
Fanconi anemia complementation group J. Also called: BRIP1-Related Fanconi Anemia. Identifiers: Orphanet 84, MedGen C1836860, MONDO:0012187, OMIM 609054.
Hereditary cancer-predisposing syndrome. Also called: Hereditary neoplastic syndrome; Tumor predisposition; Neoplastic Syndromes, Hereditary; Hereditary Cancer Syndrome. Identifiers: Orphanet 140162, MedGen C0027672, MeSH D009386, MONDO:0015356.

Submissions (3):

Labcorp Genetics (formerly Invitae), Labcorp
Classification: Uncertain significance for Familial cancer of breast; Fanconi anemia complementation group J. Last evaluated: 2025-08-03. Review status: criteria provided, single submitter. Criteria: Invitae Variant Classification Sherloc (09022015). Collection method: clinical testing. Allele origin: germline.
Comment: This sequence change replaces glycine, which is neutral and non-polar, with arginine, which is basic and polar, at codon 212 of the BRIP1 protein (p.Gly212Arg). This variant is not present in population databases (gnomAD no frequency). This variant has not been reported in the literature in individuals affected with BRIP1-related conditions. ClinVar contains an entry for this variant (Variation ID: 957576). Invitae Evidence Modeling of protein sequence and biophysical properties (such as structural, functional, and spatial information, amino acid conservation, physicochemical variation, residue mobility, and thermodynamic stability) has been performed for this missense variant. However, the output from this modeling did not meet the statistical confidence thresholds required to predict the impact of this variant on BRIP1 protein function. In summary, the available evidence is currently insufficient to determine the role of this variant in disease. Therefore, it has been classified as a Variant of Uncertain Significance.

Ambry Genetics
Classification: Uncertain significance for Hereditary cancer-predisposing syndrome. Last evaluated: 2025-01-23. Review status: criteria provided, single submitter. Criteria: Ambry Variant Classification Scheme 2023. Collection method: clinical testing. Allele origin: germline.
Comment: The p.G212R variant (also known as c.634G>C), located in coding exon 6 of the BRIP1 gene, results from a G to C substitution at nucleotide position 634. The glycine at codon 212 is replaced by arginine, an amino acid with dissimilar properties. This amino acid position is conserved. In addition, this alteration is predicted to be tolerated by in silico analysis. Based on the available evidence, the clinical significance of this variant remains unclear.

Quest Diagnostics Nichols Institute San Juan Capistrano
Classification: Uncertain significance. Last evaluated: 2024-06-27. Review status: criteria provided, single submitter. Criteria: Quest Diagnostics criteria. Collection method: clinical testing. Allele origin: unknown.
Comment: The BRIP1 c.634G>C (p.Gly212Arg) variant has not been reported in individuals with BRIP1-related conditions in the published literature. It also has not been reported in large, multi-ethnic general populations (Genome Aggregation Database). Analysis of this variant using bioinformatics tools for the prediction of the effect of amino acid changes on protein structure and function yielded predictions that this variant is benign. Based on the available information, we are unable to determine the clinical significance of this variant.

NM_032043.3(BRIP1):c.634G>C (p.Gly212Arg)

Gene: BRIP1 (BRCA1 interacting DNA helicase 1; minus strand). Cytogenetic location: 17q23.2.
Variant type: single nucleotide variant.
Coding change: c.634G>C on transcript NM_032043.3 (MANE Select); coding-DNA position 634, G replaced by C.
Protein change: p.Gly212Arg; replaces glycine 212 with arginine.
Molecular consequence: missense variant.
Genome position (GRCh38, 1-based): chr17:61,808,751, C>G on the plus strand (G>C on the coding strand, the complement: BRIP1 is on the minus strand). VCF-style: chr17-61808751-C-G. GRCh37 (hg19) VCF-style: chr17-59886112-C-G.
Other names: short protein forms G212R.
Identifiers: ClinVar variation 957576 (VCV000957576.12), dbSNP rs1555609387, ClinGen allele CA400485239.